The following is an entry in ClinVar:

NM_031844.3(HNRNPU):c.1794C>T (p.Gly598=)

Gene: HNRNPU (heterogeneous nuclear ribonucleoprotein U; minus strand). Cytogenetic location: 1q44.
Variant type: single nucleotide variant.
Coding change: c.1794C>T on transcript NM_031844.3 (MANE Select); coding-DNA position 1794, C replaced by T.
Protein change: p.Gly598=; no amino-acid change (glycine 598 retained).
Molecular consequence: synonymous variant.
Genome position (GRCh38, 1-based): chr1:244,856,575, G>A on the plus strand (C>T on the coding strand, the complement: HNRNPU is on the minus strand). VCF-style: chr1-244856575-G-A. GRCh37 (hg19) VCF-style: chr1-245019877-G-A.
Other names: c.1737C>T, p.Gly579= (NM_004501.3).
Identifiers: ClinVar variation 696493 (VCV000696493.15), dbSNP rs369567187, ClinGen allele CA1486375.
Genomic context (GRCh38, chr1:244,856,575, plus strand): 5'-CTGTGTTCTTTGCTTATAGTCTTCATCTTTTGGGCAAACTACAACAGCTTTTCGCTGGAA[G>A]CCTGCAAACAGGCACATTTTTCTCCTCTGGGCAGCAGCAGACACATTTGTCTTTAAAAAA-3'
Protein context (NP_114032.2, residues 588-608): AQRRKMCLFA[Gly598=]FQRKAVVVCP

ClinVar aggregate classification (germline): Benign/Likely benign. Review status: criteria provided, multiple submitters, no conflicts (2 of 4 stars). 4 submissions from 4 submitters: Benign (1); Likely benign (3). Last evaluated 2026-01-19.

Conditions:
Developmental and epileptic encephalopathy, 54. Also called: HNRNPU-Related Neurodevelopmental Disorder; Epileptic encephalopathy, early infantile, 54. Identifiers: MedGen C4479319, MONDO:0033363, OMIM 617391.
HNRNPU-related disorder. Also called: HNRNPU-related condition.
Inborn genetic diseases. Identifiers: MedGen C0950123, MeSH D030342.

Allele frequency attached by ClinVar (database versions not stated): ExAC 0.00002; TOPMed 0.00004; gnomAD 0.00005; gnomAD exomes 0.00005 and 0.00033; ESP Exome Variant Server 0.00008; 1000 Genomes Project 30x 0.00016; 1000 Genomes Project 0.00020.
gnomAD v4.1: 476 of 1,614,040 alleles (0.029%); highest among the groups gnomAD compares: Non-Finnish European, 0.04%; 1 homozygote.

Submissions (4):

Labcorp Genetics (formerly Invitae), Labcorp
Classification: Likely benign for Developmental and epileptic encephalopathy, 54. Last evaluated: 2026-01-19. Review status: criteria provided, single submitter. Criteria: Invitae Variant Classification Sherloc (09022015). Collection method: clinical testing. Allele origin: germline.

PreventionGenetics, part of Exact Sciences
Classification: Likely benign for HNRNPU-related condition. Last evaluated: 2024-11-21. Review status: criteria provided, single submitter. Criteria: ACMG Guidelines, 2015. Collection method: clinical testing. Allele origin: germline.
Comment: This variant is classified as likely benign based on ACMG/AMP sequence variant interpretation guidelines (Richards et al. 2015 PMID: 25741868, with internal and published modifications).

Athena Diagnostics
Classification: Benign. Last evaluated: 2024-05-09. Review status: criteria provided, single submitter. Criteria: Athena Diagnostics Criteria. Collection method: clinical testing. Allele origin: unknown.

Ambry Genetics
Classification: Likely benign for Inborn genetic diseases. Last evaluated: 2018-10-18. Review status: criteria provided, single submitter. Criteria: Ambry Variant Classification Scheme 2023. Collection method: clinical testing. Allele origin: germline.